The following is an entry in ClinVar:

ClinVar aggregate classification (germline): Pathogenic (1 of 4 stars; one submission).

Conditions:
Hereditary cancer-predisposing syndrome. Also called: Neoplastic Syndromes, Hereditary; Tumor predisposition; Hereditary Cancer Syndrome; Hereditary neoplastic syndrome. Identifiers: Orphanet 140162, MedGen C0027672, MeSH D009386, MONDO:0015356.

Submission:

Ambry Genetics
Classification: Pathogenic for Hereditary cancer-predisposing syndrome. Last evaluated: 2025-07-14. Review status: criteria provided, single submitter. Criteria: Ambry Variant Classification Scheme 2023. Collection method: clinical testing. Allele origin: germline.
Comment: The c.4006-8_4007del10 pathogenic mutation results from a deletion of 10 nucleotides between positions c.4006-8 and c.4007 and involves the canonical splice acceptor site before coding exon 33 of the TSC2 gene. This variant was reported in individual(s) with features consistent with tuberous sclerosis complex (Ambry internal data). This variant is considered to be rare based on population cohorts in the Genome Aggregation Database (gnomAD). In silico splice site analysis predicts that this alteration will weaken the native splice acceptor site and will result in the creation or strengthening of a novel splice acceptor site. Alterations that disrupt the canonical splice site are expected to cause aberrant splicing, resulting in an abnormal protein or a transcript that is subject to nonsense-mediated mRNA decay. As such, this alteration is interpreted as a disease-causing mutation.

NM_000548.5(TSC2):c.4006-8_4007del

Gene: TSC2 (TSC complex subunit 2; plus strand). Cytogenetic location: 16p13.3.
Variant type: Deletion.
Coding change: c.4006-8_4007del on transcript NM_000548.5 (MANE Select); 8 bases into the intron before coding-DNA position 4006 through coding-DNA position 4007, 10 bases deleted (CTTTCTAGTC; older notation c.4006-8_4007delCTTTCTAGTC).
Molecular consequence: splice acceptor variant.
Genome position (GRCh38, 1-based): chr16:2,084,220-2,084,229, CTTTCTAGTC deleted; deleting any 10 consecutive bases within chr16:2,084,217-2,084,229 gives the same sequence; the c. name uses the placement nearest the transcript's 3' end. VCF-style (leftmost placement, unchanged base first): chr16-2084216-GGTCCTTTCTA-G. GRCh37 (hg19) VCF-style: chr16-2134217-GGTCCTTTCTA-G.
Other names: c.2464-8_2465del (NM_001406693.1, NM_001406692.1, NM_001406694.1); c.3898-8_3899del (NM_001406667.1); c.3895-8_3896del (NM_001406668.1); c.3406-8_3407del (NM_001406680.1); c.3337-8_3338del (NM_001406683.1, NM_001406682.1); c.3205-8_3206del (NM_001406687.1, NM_001406688.1); c.2593-8_2594del (NM_001406689.1); c.2533-8_2534del (NM_001406690.1); and 26 more.
Identifiers: ClinVar variation 4192142 (VCV004192142.1).